The following is an entry in ClinVar:

ClinVar aggregate classification (germline): Uncertain significance (1 of 4 stars; one submission).

gnomAD v4.1: 15 of 1,610,968 alleles (0.00093%); highest among the groups gnomAD compares: Non-Finnish European, 0.0012%; no homozygotes.

Submission:

GeneDx
Classification: Uncertain significance. Last evaluated: 2025-05-29. Review status: criteria provided, single submitter. Criteria: GeneDx Variant Classification Process June 2021. Collection method: clinical testing. Allele origin: germline. Affected: yes.
Comment: Not observed at significant frequency in large population cohorts (gnomAD); In silico analysis suggests that this missense variant does not alter protein structure/function; Has not been previously published as pathogenic or benign to our knowledge

NM_015021.3(ZNF292):c.7300C>A (p.Gln2434Lys)

Gene: ZNF292 (zinc finger protein 292; plus strand). Cytogenetic location: 6q14.3.
Variant type: single nucleotide variant.
Coding change: c.7300C>A on transcript NM_015021.3 (MANE Select); coding-DNA position 7300, C replaced by A.
Protein change: p.Gln2434Lys; replaces glutamine 2434 with lysine.
Molecular consequence: missense variant.
Genome position (GRCh38, 1-based): chr6:87,260,929, C>A. VCF-style: chr6-87260929-C-A. GRCh37 (hg19) VCF-style: chr6-87970647-C-A.
Other names: c.6880C>A, p.Gln2294Lys (NM_001351444.2); short protein forms Q2294K, Q2434K.
Identifiers: ClinVar variation 4532571 (VCV004532571.1).